The following is an entry in ClinVar:

ClinVar aggregate classification (germline): Pathogenic. Review status: criteria provided, single submitter (1 of 4 stars). 2 submissions from 2 submitters: Pathogenic (1). 1 of the submissions does not count toward it. Last evaluated 2023-10-15.

Conditions:
GNE myopathy (NM). Also called: INCLUSION BODY MYOPATHY, HEREDITARY, AUTOSOMAL RECESSIVE; NONAKA DISTAL MYOPATHY; INCLUSION BODY MYOPATHY 2, AUTOSOMAL RECESSIVE; MYOPATHY, DISTAL, WITH OR WITHOUT RIMMED VACUOLES; IBM 2; Inclusion body myopathy autosomal recessive. Identifiers: Orphanet 602, MedGen C1853926, MONDO:0011603, OMIM 605820.
Sialuria. Also called: SIALURIA, FRENCH TYPE; Sialic Acid Storage Disease. Identifiers: Orphanet 3166, MedGen C0342853, MONDO:0010028, OMIM 269921.

Submissions (2):

Labcorp Genetics (formerly Invitae), Labcorp
Classification: Pathogenic for Sialuria; GNE myopathy. Last evaluated: 2023-10-15. Review status: criteria provided, single submitter. Criteria: Invitae Variant Classification Sherloc (09022015). Collection method: clinical testing. Allele origin: germline.
Comment: This sequence change creates a premature translational stop signal (p.His259Alafs*7) in the GNE gene. It is expected to result in an absent or disrupted protein product. Loss-of-function variants in GNE are known to be pathogenic (PMID: 24027297). This variant is not present in population databases (gnomAD no frequency). This variant has not been reported in the literature in individuals affected with GNE-related conditions. ClinVar contains an entry for this variant (Variation ID: 557458). For these reasons, this variant has been classified as Pathogenic.

Counsyl
Classification: Likely pathogenic for GNE myopathy. Last evaluated: 2018-04-02. Review status: no assertion criteria provided. Collection method: clinical testing. Allele origin: unknown. Not counted in ClinVar's aggregate classification.

Literature cited by the submitters: PubMed 24027297 (cited by Labcorp Genetics (formerly Invitae), Labcorp).

NM_005476.7(GNE):c.680dup (p.His228fs)

Gene: GNE (glucosamine (UDP-N-acetyl)-2-epimerase/N-acetylmannosamine kinase; minus strand). Cytogenetic location: 9p13.3.
Variant type: Duplication.
Coding change: c.680dup on transcript NM_005476.7 (MANE Select); coding-DNA position 680, one base duplicated (A; older notation c.680dupA).
Protein change: p.His228fs; shifts the reading frame from histidine 228.
Molecular consequence: frameshift variant. On other transcripts: intron variant (2).
Genome position (GRCh38, 1-based): chr9:36,236,921, T duplicated on the plus strand (A on the coding strand, the reverse complement: GNE is on the minus strand); the first of 2 consecutive T bases (chr9:36,236,921-36,236,922); duplicating either gives the same sequence. VCF-style (leftmost placement, unchanged base first): chr9-36236920-C-CT. GRCh37 (hg19) VCF-style: chr9-36236917-C-CT.
Other names: c.503dup, p.His169fs (NM_001190388.2, NM_001374798.1); c.440-2790dup (NM_001190384.3); c.617-2790dup (NM_001374797.1); c.773dup, p.His259fs (NM_001128227.3); c.680dup, p.His228fs (NM_001190383.3); c.773dupA (NM_001128227.2); short protein forms H228fs, H169fs, H259fs.
Identifiers: ClinVar variation 557458 (VCV000557458.9), dbSNP rs1554661552, ClinGen allele CA658822298.
Genomic context (GRCh38, chr9:36,236,920, plus strand): 5'-GGTCCGCTTGTTAAATGAGATAAGTGCATCCAATGTTAATTCAAACATTTTTATGGAATG[C>CT]TTAATGTCAGTGGTCACAGGGTGCTGTAGTGCAACAATGTAATCTTTAGATTTTACATCA-3'